The following is an entry in ClinVar:

ClinVar aggregate classification (germline): Benign (1 of 4 stars; one submission).

Conditions:
Colorectal cancer, susceptibility to, 12 (CRCS12). Also called: COLORECTAL CANCER, SUSCEPTIBILITY TO, ON CHROMOSOME 12q24. Identifiers: Orphanet 220460, MedGen C3554460, MONDO:0014038, OMIM 615083.

Submission:

Myriad Genetics, Inc.
Classification: Benign for Colorectal cancer, susceptibility to, 12. Last evaluated: 2025-02-10. Review status: criteria provided, single submitter. Criteria: Myriad Autosomal Dominant, Autosomal Recessive and X-Linked Classification Criteria (2023). Collection method: clinical testing. Allele origin: unknown.
Comment: This variant is considered benign. This variant is a silent/synonymous amino acid change and it is not expected to impact splicing.

NM_006231.4(POLE):c.1308C>G (p.Pro436=)

Gene: POLE (DNA polymerase epsilon, catalytic subunit; minus strand). Cytogenetic location: 12q24.33.
Variant type: single nucleotide variant.
Coding change: c.1308C>G on transcript NM_006231.4 (MANE Select); coding-DNA position 1308, C replaced by G.
Protein change: p.Pro436=; no amino-acid change (proline 436 retained).
Molecular consequence: synonymous variant.
Genome position (GRCh38, 1-based): chr12:132,673,626, G>C on the plus strand (C>G on the coding strand, the complement: POLE is on the minus strand). VCF-style: chr12-132673626-G-C. GRCh37 (hg19) VCF-style: chr12-133250212-G-C.
Identifiers: ClinVar variation 3904566 (VCV003904566.1).